The following is an entry in ClinVar:

NM_000057.4(BLM):c.3796G>A (p.Val1266Ile)

Gene: BLM (BLM RecQ like helicase; plus strand). Cytogenetic location: 15q26.1.
Variant type: single nucleotide variant.
Coding change: c.3796G>A on transcript NM_000057.4 (MANE Select); coding-DNA position 3796, G replaced by A.
Protein change: p.Val1266Ile; replaces valine 1266 with isoleucine.
Molecular consequence: missense variant.
Genome position (GRCh38, 1-based): chr15:90,809,181, G>A. VCF-style: chr15-90809181-G-A. GRCh37 (hg19) VCF-style: chr15-91352411-G-A.
Other names: c.3796G>A, p.Val1266Ile (NM_001287246.2); c.3403G>A, p.Val1135Ile (NM_001287247.2); c.2671G>A, p.Val891Ile (NM_001287248.2); short protein forms V1266I, V1135I, V891I.
Identifiers: ClinVar variation 1734986 (VCV001734986.2), dbSNP rs2151198303, ClinGen allele CA393849676.

ClinVar aggregate classification (germline): Uncertain significance (1 of 4 stars; one submission).

Conditions:
Hereditary cancer-predisposing syndrome. Also called: Neoplastic Syndromes, Hereditary; Tumor predisposition; Hereditary Cancer Syndrome; Hereditary neoplastic syndrome. Identifiers: Orphanet 140162, MedGen C0027672, MeSH D009386, MONDO:0015356.

Allele frequency attached by ClinVar (database versions not stated): gnomAD exomes below 0.00001.
gnomAD v4.1: 1 of 1,614,134 alleles (0.000062%); highest among the groups gnomAD compares: Non-Finnish European, 0.000085%; no homozygotes.

Submission:

Ambry Genetics
Classification: Uncertain significance for Hereditary cancer-predisposing syndrome. Last evaluated: 2024-01-25. Review status: criteria provided, single submitter. Criteria: Ambry Variant Classification Scheme 2023. Collection method: clinical testing. Allele origin: germline.
Comment: The p.V1266I variant (also known as c.3796G>A), located in coding exon 19 of the BLM gene, results from a G to A substitution at nucleotide position 3796. The valine at codon 1266 is replaced by isoleucine, an amino acid with highly similar properties. This amino acid position is conserved. In addition, the in silico prediction for this alteration is inconclusive. Since supporting evidence is limited at this time, the clinical significance of this alteration remains unclear.